The following is an entry in ClinVar:

ClinVar aggregate classification (germline): Uncertain significance (1 of 4 stars; one submission).

Submission:

Labcorp Genetics (formerly Invitae), Labcorp
Classification: Uncertain significance. Last evaluated: 2024-02-24. Review status: criteria provided, single submitter. Criteria: Invitae Variant Classification Sherloc (09022015). Collection method: clinical testing. Allele origin: germline.
Comment: This sequence change replaces glutamine, which is neutral and polar, with histidine, which is basic and polar, at codon 534 of the HELLS protein (p.Gln534His). This variant is not present in population databases (gnomAD no frequency). This variant has not been reported in the literature in individuals affected with HELLS-related conditions. ClinVar contains an entry for this variant (Variation ID: 2087601). An algorithm developed to predict the effect of missense changes on protein structure and function (PolyPhen-2) suggests that this variant is likely to be disruptive. In summary, the available evidence is currently insufficient to determine the role of this variant in disease. Therefore, it has been classified as a Variant of Uncertain Significance.

NM_018063.5(HELLS):c.1602A>T (p.Gln534His)

Gene: HELLS (helicase, lymphoid specific; plus strand). Cytogenetic location: 10q23.33.
Variant type: single nucleotide variant.
Coding change: c.1602A>T on transcript NM_018063.5 (MANE Select); coding-DNA position 1602, A replaced by T.
Protein change: p.Gln534His; replaces glutamine 534 with histidine.
Molecular consequence: missense variant.
Genome position (GRCh38, 1-based): chr10:94,590,526, A>T. VCF-style: chr10-94590526-A-T. GRCh37 (hg19) VCF-style: chr10-96350283-A-T.
Other names: c.519A>T, p.Gln173His (NM_001289074.2); c.384A>T, p.Gln128His (NM_001289075.2); c.1740A>T, p.Gln580His (NM_001289067.2); c.1554A>T, p.Gln518His (NM_001289068.2); c.1506A>T, p.Gln502His (NM_001289069.2); c.1308A>T, p.Gln436His (NM_001289070.2); c.1230A>T, p.Gln410His (NM_001289071.2); c.1212A>T, p.Gln404His (NM_001289072.2); and 1 more; short protein forms Q128H, Q173H, Q534H, Q404H, Q436H, Q518H, Q502H, Q396H.
Identifiers: ClinVar variation 2087601 (VCV002087601.4), dbSNP rs2493270347, ClinGen allele CA377665920.